The following is an entry in ClinVar:

NM_004035.7(ACOX1):c.1478+5G>T

Gene: ACOX1 (acyl-CoA oxidase 1; minus strand). Cytogenetic location: 17q25.1.
Variant type: single nucleotide variant.
Coding change: c.1478+5G>T on transcript NM_004035.7 (MANE Select); 5 bases into the intron after coding-DNA position 1478, G replaced by T.
Molecular consequence: intron variant.
Genome position (GRCh38, 1-based): chr17:75,949,713, C>A on the plus strand (G>T on the coding strand, the complement: ACOX1 is on the minus strand). VCF-style: chr17-75949713-C-A. GRCh37 (hg19) VCF-style: chr17-73945794-C-A.
Other names: c.1478+5G>T (NM_007292.6); c.1364+5G>T (NM_001185039.2).
Identifiers: ClinVar variation 2415338 (VCV002415338.5), dbSNP rs1304478903, ClinGen allele CA627597470.

ClinVar aggregate classification (germline): Uncertain significance. Review status: criteria provided, multiple submitters, no conflicts (2 of 4 stars). 2 submissions from 2 submitters: Uncertain significance (2). Last evaluated 2024-09-15.

Conditions:
Acyl-CoA oxidase deficiency. Also called: Pseudoneonatal adrenoleukodystrophy; Peroxisomal acyl-CoA oxidase deficiency; STRAIGHT-CHAIN ACYL-CoA OXIDASE DEFICIENCY. Identifiers: Orphanet 2971, MedGen C1849678, MONDO:0009919, OMIM 264470. Disease mechanism: loss of function.

Allele frequency attached by ClinVar (database versions not stated): gnomAD exomes 0.00001.

Submissions (2):

Women's Health and Genetics/Laboratory Corporation of America, LabCorp
Classification: Uncertain significance. Last evaluated: 2024-09-15. Review status: criteria provided, single submitter. Criteria: LabCorp Variant Classification Summary - May 2015. Collection method: clinical testing. Allele origin: germline.

Labcorp Genetics (formerly Invitae), Labcorp
Classification: Uncertain significance for Acyl-CoA oxidase deficiency. Last evaluated: 2022-10-13. Review status: criteria provided, single submitter. Criteria: Invitae Variant Classification Sherloc (09022015). Collection method: clinical testing. Allele origin: germline.
Comment: In summary, the available evidence is currently insufficient to determine the role of this variant in disease. Therefore, it has been classified as a Variant of Uncertain Significance. Variants that disrupt the consensus splice site are a relatively common cause of aberrant splicing (PMID: 17576681, 9536098). Algorithms developed to predict the effect of sequence changes on RNA splicing suggest that this variant may create or strengthen a splice site. This variant has not been reported in the literature in individuals affected with ACOX1-related conditions. This variant is present in population databases (no rsID available, gnomAD 0.003%). This sequence change falls in intron 10 of the ACOX1 gene. It does not directly change the encoded amino acid sequence of the ACOX1 protein. It affects a nucleotide within the consensus splice site.

Literature cited by the submitters: PubMed 17576681 (cited by Labcorp Genetics (formerly Invitae), Labcorp); PubMed 9536098 (cited by Labcorp Genetics (formerly Invitae), Labcorp).